The following is an entry in ClinVar:

ClinVar aggregate classification (germline): Uncertain significance. Review status: criteria provided, multiple submitters, no conflicts (2 of 4 stars). 2 submissions from 2 submitters: Uncertain significance (2). Last evaluated 2024-11-15.

Conditions:
Charcot-Marie-Tooth disease axonal type 2C (HMSN2C). Also called: CHARCOT-MARIE-TOOTH DISEASE, AXONAL, AUTOSOMAL DOMINANT, TYPE 2C; Charcot-Marie-Tooth Neuropathy Type 2C; Charcot-Marie-Tooth Disease Type 2, TRPV4-Related (CMT2C). Identifiers: Orphanet 99937, MedGen C1853710, MONDO:0011633, OMIM 606071.
Inborn genetic diseases. Identifiers: MedGen C0950123, MeSH D030342.

Allele frequency attached by ClinVar (database versions not stated): TOPMed below 0.00001; gnomAD exomes below 0.00001.
gnomAD v4.1: 4 of 1,613,994 alleles (0.00025%); highest among the groups gnomAD compares: South Asian, 0.0011%; no homozygotes.

Submissions (2):

Labcorp Genetics (formerly Invitae), Labcorp
Classification: Uncertain significance for Charcot-Marie-Tooth disease axonal type 2C. Last evaluated: 2024-11-15. Review status: criteria provided, single submitter. Criteria: Invitae Variant Classification Sherloc (09022015). Collection method: clinical testing. Allele origin: germline.
Comment: This sequence change replaces leucine, which is neutral and non-polar, with phenylalanine, which is neutral and non-polar, at codon 356 of the TRPV4 protein (p.Leu356Phe). This variant is present in population databases (no rsID available, gnomAD 0.006%). This variant has not been reported in the literature in individuals affected with TRPV4-related conditions. ClinVar contains an entry for this variant (Variation ID: 1781893). Invitae Evidence Modeling of protein sequence and biophysical properties (such as structural, functional, and spatial information, amino acid conservation, physicochemical variation, residue mobility, and thermodynamic stability) has been performed for this missense variant. However, the output from this modeling did not meet the statistical confidence thresholds required to predict the impact of this variant on TRPV4 protein function. In summary, the available evidence is currently insufficient to determine the role of this variant in disease. Therefore, it has been classified as a Variant of Uncertain Significance.

Ambry Genetics
Classification: Uncertain significance for Inborn genetic diseases. Last evaluated: 2021-07-11. Review status: criteria provided, single submitter. Criteria: Ambry Variant Classification Scheme 2023. Collection method: clinical testing. Allele origin: germline.
Comment: The p.L356F variant (also known as c.1066C>T), located in coding exon 5 of the TRPV4 gene, results from a C to T substitution at nucleotide position 1066. The leucine at codon 356 is replaced by phenylalanine, an amino acid with highly similar properties. This amino acid position is conserved. In addition, the in silico prediction for this alteration is inconclusive. Since supporting evidence is limited at this time, the clinical significance of this alteration remains unclear.

NM_021625.5(TRPV4):c.1066C>T (p.Leu356Phe)

Gene: TRPV4 (transient receptor potential cation channel subfamily V member 4; minus strand). Cytogenetic location: 12q24.11.
Variant type: single nucleotide variant.
Coding change: c.1066C>T on transcript NM_021625.5 (MANE Select); coding-DNA position 1066, C replaced by T.
Protein change: p.Leu356Phe; replaces leucine 356 with phenylalanine.
Molecular consequence: missense variant.
Genome position (GRCh38, 1-based): chr12:109,798,700, G>A on the plus strand (C>T on the coding strand, the complement: TRPV4 is on the minus strand). VCF-style: chr12-109798700-G-A. GRCh37 (hg19) VCF-style: chr12-110236505-G-A.
Other names: c.1066C>T, p.Leu356Phe (NM_147204.3); c.925C>T, p.Leu309Phe (NM_001177428.2, NM_001177433.2); c.964C>T, p.Leu322Phe (NM_001177431.2); short protein forms L356F, L309F, L322F.
Identifiers: ClinVar variation 1781893 (VCV001781893.5), dbSNP rs1211500283, ClinGen allele CA386654323.